The following is an entry in ClinVar:

ClinVar aggregate classification (germline): Uncertain significance (1 of 4 stars; one submission).

Conditions:
Inborn genetic diseases. Identifiers: MedGen C0950123, MeSH D030342.

Submission:

Ambry Genetics
Classification: Uncertain significance for Inborn genetic diseases. Last evaluated: 2025-11-10. Review status: criteria provided, single submitter. Criteria: Ambry Variant Classification Scheme 2023. Collection method: clinical testing. Allele origin: germline.
Comment: The p.T166I variant (also known as c.497C>T), located in coding exon 2 of the LTBP3 gene, results from a C to T substitution at nucleotide position 497. The threonine at codon 166 is replaced by isoleucine, an amino acid with similar properties. This amino acid position is conserved. In addition, the in silico prediction for this alteration is inconclusive. Based on the available evidence, the clinical significance of this variant remains unclear.

NM_001130144.3(LTBP3):c.497C>T (p.Thr166Ile)

Gene: LTBP3 (latent transforming growth factor beta binding protein 3; minus strand). Cytogenetic location: 11q13.1.
Variant type: single nucleotide variant.
Coding change: c.497C>T on transcript NM_001130144.3 (MANE Select); coding-DNA position 497, C replaced by T.
Protein change: p.Thr166Ile; replaces threonine 166 with isoleucine.
Molecular consequence: missense variant.
Genome position (GRCh38, 1-based): chr11:65,554,215, G>A on the plus strand (C>T on the coding strand, the complement: LTBP3 is on the minus strand). VCF-style: chr11-65554215-G-A. GRCh37 (hg19) VCF-style: chr11-65321686-G-A.
Other names: c.146C>T, p.Thr49Ile (NM_001164266.1); c.497C>T, p.Thr166Ile (NM_021070.4); short protein forms T49I, T166I.
Identifiers: ClinVar variation 4624004 (VCV004624004.1).